The following is an entry in ClinVar:

ClinVar aggregate classification (germline): Conflicting classifications of pathogenicity. Review status: criteria provided, conflicting classifications (1 of 4 stars). 4 submissions from 4 submitters: Uncertain significance (1); Benign (1); Likely benign (1). 1 of the submissions does not count toward it. Last evaluated 2025-08-12.

Conditions:
IFT172-related disorder. Also called: IFT172-related disorders; IFT172-related condition.
Short-rib thoracic dysplasia 10 with or without polydactyly (SRTD10). Identifiers: Orphanet 474, MedGen C3810175, MONDO:0014284, OMIM 615630.
Retinitis pigmentosa 71 (RP71). Identifiers: Orphanet 791, MedGen C4225342, MONDO:0014618, OMIM 616394.
Inborn genetic diseases. Identifiers: MedGen C0950123, MeSH D030342.

Allele frequency attached by ClinVar (database versions not stated): gnomAD exomes 0.00009 and 0.00016; gnomAD 0.00010; ExAC 0.00012; TOPMed 0.00012; 1000 Genomes Project 0.00040; 1000 Genomes Project 30x 0.00047.

Submissions (5):

Labcorp Genetics (formerly Invitae), Labcorp
Classification: Likely benign for Retinitis pigmentosa 71; Short-rib thoracic dysplasia 10 with or without polydactyly. Last evaluated: 2025-08-12. Review status: criteria provided, single submitter. Criteria: Invitae Variant Classification Sherloc (09022015). Collection method: clinical testing. Allele origin: germline.

Ambry Genetics
Classification: Uncertain significance for Inborn genetic diseases. Last evaluated: 2025-06-13. Review status: criteria provided, single submitter. Criteria: Ambry Variant Classification Scheme 2023. Collection method: clinical testing. Allele origin: germline.
Comment: The c.337-5C>T intronic alteration consists of a C to T substitution 5 nucleotides before coding exon 5 in the IFT172 gene. Based on insufficient or conflicting evidence, the clinical significance of this alteration remains unclear.

Blueprint Genetics
Classification: Benign. Last evaluated: 2023-09-26. Review status: criteria provided, single submitter. Criteria: ACMG Guidelines, 2015. Collection method: clinical testing. Allele origin: germline.

PreventionGenetics, part of Exact Sciences
Classification: Likely benign for IFT172-related condition. Last evaluated: 2020-11-24. Review status: no assertion criteria provided. Collection method: clinical testing. Allele origin: germline. Not counted in ClinVar's aggregate classification.
Comment: This variant is classified as likely benign based on ACMG/AMP sequence variant interpretation guidelines (Richards et al. 2015 PMID: 25741868, with internal and published modifications).

Dr. Peter K. Rogan Lab, Western University
No classification provided (evidence only). Condition: Familial cancer of breast. Review status: no classification provided. Collection method: in vitro. Allele origin: not applicable. Functional consequence: retained intron. Not counted in ClinVar's aggregate classification.

NM_015662.3(IFT172):c.337-5C>T

Gene: IFT172 (intraflagellar transport 172; minus strand). Cytogenetic location: 2p23.3.
Variant type: single nucleotide variant.
Coding change: c.337-5C>T on transcript NM_015662.3 (MANE Select); 5 bases into the intron before coding-DNA position 337, C replaced by T.
Molecular consequence: intron variant.
Genome position (GRCh38, 1-based): chr2:27,483,942, G>A on the plus strand (C>T on the coding strand, the complement: IFT172 is on the minus strand). VCF-style: chr2-27483942-G-A. GRCh37 (hg19) VCF-style: chr2-27706809-G-A.
Other names: c.337-5C>T (NM_015662.1, NM_015662.2).
Identifiers: ClinVar variation 1572647 (VCV001572647.14), dbSNP rs141086523, ClinGen allele CA1581014.